The following is an entry in ClinVar:

NM_007194.4(CHEK2):c.1095+1G>C

Gene: CHEK2 (checkpoint kinase 2; minus strand). Cytogenetic location: 22q12.1.
Variant type: single nucleotide variant.
Coding change: c.1095+1G>C on transcript NM_007194.4 (MANE Select); the canonical splice donor site of the intron after coding-DNA position 1095, G replaced by C.
Molecular consequence: splice donor variant. On other transcripts: intron variant (3).
Genome position (GRCh38, 1-based): chr22:28,696,900, C>G on the plus strand (G>C on the coding strand, the complement: CHEK2 is on the minus strand). VCF-style: chr22-28696900-C-G. GRCh37 (hg19) VCF-style: chr22-29092888-C-G.
Other names: c.432+1G>C (NM_001437942.1, NM_001257387.3); c.894+1G>C (NM_001349956.3); c.1009-1027G>C (NM_145862.3); c.1102-1027G>C (NM_001438295.1); c.1188+1G>C (NM_001438293.1); c.1138-1027G>C (NM_001438294.1); c.1224+1G>C (NM_001005735.3).
Identifiers: ClinVar variation 2134294 (VCV002134294.6), dbSNP rs768172525, ClinGen allele CA411097409.

ClinVar aggregate classification (germline): Likely pathogenic. Review status: criteria provided, multiple submitters, no conflicts (2 of 4 stars). 2 submissions from 2 submitters: Likely pathogenic (2). Last evaluated 2023-06-27.

Conditions:
Familial cancer of breast. Also called: Hereditary breast cancer; BREAST CANCER, FAMILIAL; hereditary breast carcinoma. Identifiers: Orphanet 227535, MedGen C0346153, MONDO:0016419, OMIM 114480. Disease mechanism: loss of function.

Submissions (2):

Myriad Genetics, Inc.
Classification: Likely pathogenic for Familial cancer of breast. Last evaluated: 2023-06-27. Review status: criteria provided, single submitter. Criteria: Myriad Autosomal Dominant, Autosomal Recessive and X-Linked Classification Criteria (2023). Collection method: clinical testing. Allele origin: unknown.
Comment: This variant is considered likely pathogenic. This variant occurs within a consensus splice junction and is predicted to result in abnormal mRNA splicing of either an out-of-frame exon or an in-frame exon necessary for protein stability and/or normal function.

Labcorp Genetics (formerly Invitae), Labcorp
Classification: Likely pathogenic for Familial cancer of breast. Last evaluated: 2022-05-05. Review status: criteria provided, single submitter. Criteria: Invitae Variant Classification Sherloc (09022015). Collection method: clinical testing. Allele origin: germline.
Comment: This sequence change affects a donor splice site in intron 10 of the CHEK2 gene. It is expected to disrupt RNA splicing. Variants that disrupt the donor or acceptor splice site typically lead to a loss of protein function (PMID: 16199547), and loss-of-function variants in CHEK2 are known to be pathogenic (PMID: 21876083, 24713400). In summary, the currently available evidence indicates that the variant is pathogenic, but additional data are needed to prove that conclusively. Therefore, this variant has been classified as Likely Pathogenic. Algorithms developed to predict the effect of sequence changes on RNA splicing suggest that this variant may disrupt the consensus splice site. This variant has not been reported in the literature in individuals affected with CHEK2-related conditions. This variant is not present in population databases (gnomAD no frequency).

Literature cited by the submitters: PubMed 16199547 (cited by Labcorp Genetics (formerly Invitae), Labcorp); PubMed 21876083 (cited by Labcorp Genetics (formerly Invitae), Labcorp); PubMed 24713400 (cited by Labcorp Genetics (formerly Invitae), Labcorp).